The following is an entry in ClinVar:

ClinVar aggregate classification (germline): Uncertain significance. Review status: criteria provided, multiple submitters, no conflicts (2 of 4 stars). 4 submissions from 4 submitters: Uncertain significance (4). Last evaluated 2026-02-23.

Conditions:
MYO6-related disorder. Also called: MYO6-related condition; MYO6-related disorders.
Inborn genetic diseases. Identifiers: MedGen C0950123, MeSH D030342.

gnomAD v4.1: 1 of 1,613,682 alleles (0.000062%); no homozygotes.

Submissions (4):

Ambry Genetics
Classification: Uncertain significance for Inborn genetic diseases. Last evaluated: 2026-02-23. Review status: criteria provided, single submitter. Criteria: Ambry Variant Classification Scheme 2023. Collection method: clinical testing. Allele origin: germline.

PreventionGenetics, part of Exact Sciences
Classification: Uncertain significance for MYO6-related condition. Last evaluated: 2025-12-15. Review status: criteria provided, single submitter. Criteria: ACMG Guidelines, 2015. Collection method: clinical testing. Allele origin: germline.
Comment: The MYO6 c.2410A>G variant is predicted to result in the amino acid substitution p.Ile804Val. To our knowledge, this variant has not been reported in the literature or in a large population database (gnomAD), indicating this variant is rare. At this time, the clinical significance of this variant is uncertain due to the absence of conclusive functional and genetic evidence.

Labcorp Genetics (formerly Invitae), Labcorp
Classification: Uncertain significance. Last evaluated: 2022-07-19. Review status: criteria provided, single submitter. Criteria: Invitae Variant Classification Sherloc (09022015). Collection method: clinical testing. Allele origin: germline.
Comment: This sequence change replaces isoleucine, which is neutral and non-polar, with valine, which is neutral and non-polar, at codon 804 of the MYO6 protein (p.Ile804Val). In summary, the available evidence is currently insufficient to determine the role of this variant in disease. Therefore, it has been classified as a Variant of Uncertain Significance. Algorithms developed to predict the effect of missense changes on protein structure and function are either unavailable or do not agree on the potential impact of this missense change (SIFT: "Tolerated"; PolyPhen-2: "Not Available"; Align-GVGD: "Class C0"). This variant has not been reported in the literature in individuals affected with MYO6-related conditions. This variant is not present in population databases (gnomAD no frequency).

GeneDx
Classification: Uncertain significance. Last evaluated: 2022-06-01. Review status: criteria provided, single submitter. Criteria: GeneDx Variant Classification Process June 2021. Collection method: clinical testing. Allele origin: germline. Affected: yes.
Comment: Not observed at significant frequency in large population cohorts (gnomAD); In silico analysis supports that this missense variant does not alter protein structure/function; Has not been previously published as pathogenic or benign to our knowledge

NM_004999.4(MYO6):c.2410A>G (p.Ile804Val)

Gene: MYO6 (myosin VI; plus strand). Cytogenetic location: 6q14.1.
Variant type: single nucleotide variant.
Coding change: c.2410A>G on transcript NM_004999.4 (MANE Select); coding-DNA position 2410, A replaced by G.
Protein change: p.Ile804Val; replaces isoleucine 804 with valine.
Molecular consequence: missense variant. On other transcripts: non-coding transcript variant (1).
Genome position (GRCh38, 1-based): chr6:75,881,812, A>G. VCF-style: chr6-75881812-A-G. GRCh37 (hg19) VCF-style: chr6-76591529-A-G.
Other names: c.2410A>G, p.Ile804Val (NM_001300899.2, NM_001368136.1, NM_001368137.1 and 2 more transcripts); c.2395A>G, p.Ile799Val (NM_001368138.1); short protein forms I799V, I804V.
Identifiers: ClinVar variation 1801901 (VCV001801901.8), dbSNP rs1029226915, ClinGen allele CA141080015.